The following is an entry in ClinVar:

ClinVar aggregate classification (germline): Uncertain significance. Review status: criteria provided, multiple submitters, no conflicts (2 of 4 stars). 2 submissions from 2 submitters: Uncertain significance (2). Last evaluated 2025-08-12.

Allele frequency attached by ClinVar (database versions not stated): 1000 Genomes Project 30x 0.00016; 1000 Genomes Project 0.00020.
gnomAD v4.1: 46 of 1,611,308 alleles (0.0029%); highest among the groups gnomAD compares: East Asian, 0.069%; no homozygotes.

Submissions (2):

Ambry Genetics
Classification: Uncertain significance. Last evaluated: 2025-08-12. Review status: criteria provided, single submitter. Criteria: Ambry Variant Classification Scheme 2023. Collection method: clinical testing. Allele origin: germline.

Labcorp Genetics (formerly Invitae), Labcorp
Classification: Uncertain significance. Last evaluated: 2022-07-29. Review status: criteria provided, single submitter. Criteria: Invitae Variant Classification Sherloc (09022015). Collection method: clinical testing. Allele origin: germline.
Comment: This sequence change replaces proline, which is neutral and non-polar, with arginine, which is basic and polar, at codon 188 of the SAMD11 protein (p.Pro188Arg). This variant is present in population databases (rs199789235, gnomAD 0.03%). This variant has not been reported in the literature in individuals affected with SAMD11-related conditions. ClinVar contains an entry for this variant (Variation ID: 1403940). Algorithms developed to predict the effect of missense changes on protein structure and function are either unavailable or do not agree on the potential impact of this missense change (SIFT: "Tolerated"; PolyPhen-2: "Probably Damaging"; Align-GVGD: "Class C0"). In summary, the available evidence is currently insufficient to determine the role of this variant in disease. Therefore, it has been classified as a Variant of Uncertain Significance.

NM_001385641.1(SAMD11):c.1100C>G (p.Pro367Arg)

Gene: SAMD11 (sterile alpha motif domain containing 11; plus strand). Cytogenetic location: 1p36.33.
Variant type: single nucleotide variant.
Coding change: c.1100C>G on transcript NM_001385641.1 (MANE Select); coding-DNA position 1100, C replaced by G.
Protein change: p.Pro367Arg; replaces proline 367 with arginine.
Molecular consequence: missense variant.
Genome position (GRCh38, 1-based): chr1:939,317, C>G. VCF-style: chr1-939317-C-G. GRCh37 (hg19) VCF-style: chr1-874697-C-G.
Other names: c.1103C>G, p.Pro368Arg (NM_001385640.1); c.563C>G, p.Pro188Arg (NM_152486.4); c.563C>G (NM_152486.2); short protein forms P188R, P367R, P368R.
Identifiers: ClinVar variation 1403940 (VCV001403940.6), dbSNP rs199789235, ClinGen allele CA502706.